The following is an entry in ClinVar:

NM_004958.4(MTOR):c.2665G>C (p.Gly889Arg)

Gene: MTOR (mechanistic target of rapamycin kinase; minus strand). Cytogenetic location: 1p36.22.
Variant type: single nucleotide variant.
Coding change: c.2665G>C on transcript NM_004958.4 (MANE Select); coding-DNA position 2665, G replaced by C.
Protein change: p.Gly889Arg; replaces glycine 889 with arginine.
Molecular consequence: missense variant.
Genome position (GRCh38, 1-based): chr1:11,231,039, C>G on the plus strand (G>C on the coding strand, the complement: MTOR is on the minus strand). VCF-style: chr1-11231039-C-G. GRCh37 (hg19) VCF-style: chr1-11291096-C-G.
Other names: c.2665G>C, p.Gly889Arg (NM_001386500.1); c.1417G>C, p.Gly473Arg (NM_001386501.1); short protein forms G473R, G889R.
Identifiers: ClinVar variation 3898971 (VCV003898971.1).

ClinVar aggregate classification (germline): Uncertain significance (1 of 4 stars; one submission).

Submission:

GeneDx
Classification: Uncertain significance. Last evaluated: 2024-11-06. Review status: criteria provided, single submitter. Criteria: GeneDx Variant Classification Process June 2021. Collection method: clinical testing. Allele origin: germline. Affected: yes.
Comment: Not observed at significant frequency in large population cohorts (gnomAD); In silico analysis supports that this missense variant has a deleterious effect on protein structure/function; Has not been previously published as pathogenic or benign to our knowledge